The following is an entry in ClinVar:

ClinVar aggregate classification (germline): Uncertain significance. Review status: criteria provided, multiple submitters, no conflicts (2 of 4 stars). 2 submissions from 2 submitters: Uncertain significance (2). Last evaluated 2023-05-02.

Conditions:
Emery-Dreifuss muscular dystrophy 4, autosomal dominant (EDMD4). Also called: EMERY-DREIFUSS MUSCULAR DYSTROPHY 4 WITH VARIABLE FEATURES. Identifiers: Orphanet 261, MedGen C2751807, MONDO:0013071, OMIM 612998.
Autosomal recessive ataxia, Beauce type. Also called: Spinocerebellar ataxia, autosomal recessive 8; ATAXIA, RECESSIVE, OF BEAUCE; SYNE1 Deficiency; SYNE1-Related Autosomal Recessive Cerebellar Ataxia. Identifiers: Orphanet 88644, MedGen C1853116, MONDO:0012549, OMIM 610743.

Allele frequency attached by ClinVar (database versions not stated): gnomAD exomes 0.00001; gnomAD 0.00002 and 0.00003; 1000 Genomes Project 30x 0.00016; 1000 Genomes Project 0.00020.
gnomAD v4.1: 57 of 1,614,014 alleles (0.0035%); highest among the groups gnomAD compares: African/African-American, 0.0053%; no homozygotes.

Submissions (2):

Blueprint Genetics
Classification: Uncertain significance. Last evaluated: 2023-05-02. Review status: criteria provided, single submitter. Criteria: ACMG Guidelines, 2015. Collection method: clinical testing. Allele origin: germline.

Labcorp Genetics (formerly Invitae), Labcorp
Classification: Uncertain significance for Emery-Dreifuss muscular dystrophy 4, autosomal dominant; Autosomal recessive ataxia, Beauce type. Last evaluated: 2021-10-21. Review status: criteria provided, single submitter. Criteria: Invitae Variant Classification Sherloc (09022015). Collection method: clinical testing. Allele origin: germline.
Comment: This sequence change replaces arginine with cysteine at codon 7478 of the SYNE1 protein (p.Arg7478Cys). The arginine residue is highly conserved and there is a large physicochemical difference between arginine and cysteine. This variant is present in population databases (rs549357903, ExAC 0.01%). This variant has been observed in individual(s) with cerebellar ataxia (PMID: 31692161). Algorithms developed to predict the effect of missense changes on protein structure and function (SIFT, PolyPhen-2, Align-GVGD) all suggest that this variant is likely to be disruptive. In summary, the available evidence is currently insufficient to determine the role of this variant in disease. Therefore, it has been classified as a Variant of Uncertain Significance.

Literature cited by the submitters: PubMed 31692161 (cited by Labcorp Genetics (formerly Invitae), Labcorp).

NM_182961.4(SYNE1):c.22645C>T (p.Arg7549Cys)

Gene: SYNE1 (spectrin repeat containing nuclear envelope protein 1; minus strand). Cytogenetic location: 6q25.2.
Variant type: single nucleotide variant.
Coding change: c.22645C>T on transcript NM_182961.4 (MANE Select); coding-DNA position 22645, C replaced by T.
Protein change: p.Arg7549Cys; replaces arginine 7549 with cysteine.
Molecular consequence: missense variant.
Genome position (GRCh38, 1-based): chr6:152,208,151, G>A on the plus strand (C>T on the coding strand, the complement: SYNE1 is on the minus strand). VCF-style: chr6-152208151-G-A. GRCh37 (hg19) VCF-style: chr6-152529286-G-A.
Other names: c.22432C>T, p.Arg7478Cys (NM_033071.5); short protein forms R7549C, R7478C.
Identifiers: ClinVar variation 1413229 (VCV001413229.4), dbSNP rs549357903, ClinGen allele CA4053822.